The following is an entry in ClinVar:

NM_017721.5(CC2D1A):c.2342G>T (p.Gly781Val)

Gene: CC2D1A (coiled-coil and C2 domain containing 1A; plus strand). Cytogenetic location: 19p13.12.
Variant type: single nucleotide variant.
Coding change: c.2342G>T on transcript NM_017721.5 (MANE Select); coding-DNA position 2342, G replaced by T.
Protein change: p.Gly781Val; replaces glycine 781 with valine.
Molecular consequence: missense variant.
Genome position (GRCh38, 1-based): chr19:13,927,918, G>T. VCF-style: chr19-13927918-G-T. GRCh37 (hg19) VCF-style: chr19-14038731-G-T.
Other names: short protein forms G781V.
Identifiers: ClinVar variation 736580 (VCV000736580.13), dbSNP rs77389229, ClinGen allele CA9245043.

ClinVar aggregate classification (germline): Conflicting classifications of pathogenicity. Review status: criteria provided, conflicting classifications (1 of 4 stars). 4 submissions from 4 submitters: Uncertain significance (2); Benign (1). 1 of the submissions does not count toward it. Last evaluated 2026-01-24.

Conditions:
CC2D1A-related disorder. Also called: CC2D1A-related condition.
Inborn genetic diseases. Identifiers: MedGen C0950123, MeSH D030342.

Allele frequency attached by ClinVar (database versions not stated): TOPMed 0.00104; 1000 Genomes Project 0.00180; 1000 Genomes Project 30x 0.00203.

Submissions (5):

Labcorp Genetics (formerly Invitae), Labcorp
Classification: Benign. Last evaluated: 2026-01-24. Review status: criteria provided, single submitter. Criteria: Invitae Variant Classification Sherloc (09022015). Collection method: clinical testing. Allele origin: germline.

Blueprint Genetics
Classification: Uncertain significance. Last evaluated: 2024-09-23. Review status: criteria provided, single submitter. Criteria: ACMG Guidelines, 2015. Collection method: clinical testing. Allele origin: germline.

Ambry Genetics
Classification: Uncertain significance for Inborn genetic diseases. Last evaluated: 2018-12-20. Review status: criteria provided, single submitter. Criteria: Ambry Variant Classification Scheme 2023. Collection method: clinical testing. Allele origin: germline.
Comment: The p.G781V variant (also known as c.2342G>T), located in coding exon 23 of the CC2D1A gene, results from a G to T substitution at nucleotide position 2342. The glycine at codon 781 is replaced by valine, an amino acid with dissimilar properties. This amino acid position is highly conserved in available vertebrate species. In addition, the in silico prediction for this alteration is inconclusive. Since supporting evidence is limited at this time, the clinical significance of this alteration remains unclear.

PreventionGenetics, part of Exact Sciences
Classification: Benign for CC2D1A-related condition. Last evaluated: 2019-06-07. Review status: no assertion criteria provided. Collection method: clinical testing. Allele origin: germline. Not counted in ClinVar's aggregate classification.
Comment: This variant is classified as benign based on ACMG/AMP sequence variant interpretation guidelines (Richards et al. 2015 PMID: 25741868, with internal and published modifications).

Dr. Peter K. Rogan Lab, Western University
No classification provided (evidence only). Condition: Malignant tumor of urinary bladder. Review status: no classification provided. Collection method: in vitro. Allele origin: not applicable. Functional consequence: retained intron. Not counted in ClinVar's aggregate classification.